The following is an entry in ClinVar:

NM_022489.4(INF2):c.2174A>C (p.Glu725Ala)

Gene: INF2 (inverted formin 2; plus strand). Cytogenetic location: 14q32.33.
Variant type: single nucleotide variant.
Coding change: c.2174A>C on transcript NM_022489.4 (MANE Select); coding-DNA position 2174, A replaced by C.
Protein change: p.Glu725Ala; replaces glutamic acid 725 with alanine.
Molecular consequence: missense variant.
Genome position (GRCh38, 1-based): chr14:104,710,123, A>C. VCF-style: chr14-104710123-A-C. GRCh37 (hg19) VCF-style: chr14-105176460-A-C.
Other names: p.Glu725Ala; c.2174A>C, p.Glu725Ala (NM_001031714.4); short protein forms E725A.
Identifiers: ClinVar variation 1445801 (VCV001445801.9), dbSNP rs1889975115, ClinGen allele CA391220370.

ClinVar aggregate classification (germline): Uncertain significance. Review status: criteria provided, multiple submitters, no conflicts (2 of 4 stars). 2 submissions from 2 submitters: Uncertain significance (2). Last evaluated 2023-09-01.

Conditions:
Focal segmental glomerulosclerosis 5 (FSGS5). Identifiers: Orphanet 656, MedGen C2750475, MONDO:0013191, OMIM 613237.
Charcot-Marie-Tooth disease dominant intermediate E. Also called: CHARCOT-MARIE-TOOTH NEUROPATHY WITH FOCAL SEGMENTAL GLOMERULONEPHRITIS. Identifiers: Orphanet 93114, MedGen C4302667, MONDO:0013758, OMIM 614455.

Submissions (2):

Labcorp Genetics (formerly Invitae), Labcorp
Classification: Uncertain significance for Charcot-Marie-Tooth disease dominant intermediate E; Focal segmental glomerulosclerosis 5. Last evaluated: 2023-09-01. Review status: criteria provided, single submitter. Criteria: Invitae Variant Classification Sherloc (09022015). Collection method: clinical testing. Allele origin: germline.
Comment: This sequence change replaces glutamic acid, which is acidic and polar, with alanine, which is neutral and non-polar, at codon 725 of the INF2 protein (p.Glu725Ala). This variant is not present in population databases (gnomAD no frequency). This variant has not been reported in the literature in individuals affected with INF2-related conditions. ClinVar contains an entry for this variant (Variation ID: 1445801). Advanced modeling of protein sequence and biophysical properties (such as structural, functional, and spatial information, amino acid conservation, physicochemical variation, residue mobility, and thermodynamic stability) performed at Invitae indicates that this missense variant is not expected to disrupt INF2 protein function. In summary, the available evidence is currently insufficient to determine the role of this variant in disease. Therefore, it has been classified as a Variant of Uncertain Significance.

Mayo Clinic Laboratories, Mayo Clinic
Classification: Uncertain significance. Last evaluated: 2023-08-17. Review status: criteria provided, single submitter. Criteria: ACMG Guidelines, 2015. Collection method: clinical testing. Allele origin: germline. Observed: 1 variant allele.
Comment: PM2_moderate